The following is an entry in ClinVar:

ClinVar aggregate classification (germline): Likely benign (1 of 4 stars; one submission).

Submission:

CeGaT Center for Human Genetics Tuebingen
Classification: Likely benign. Last evaluated: 2025-04-01. Review status: criteria provided, single submitter. Criteria: CeGaT Center For Human Genetics Tuebingen Variant Classification Criteria Version 2. Collection method: clinical testing. Allele origin: germline. Affected: yes. Observed: 1 variant allele.
Comment: KCNQ5: PM2:Supporting, BP4, BP7

NM_019842.4(KCNQ5):c.690A>C (p.Ala230=)

Gene: KCNQ5 (potassium voltage-gated channel subfamily Q member 5; plus strand). Cytogenetic location: 6q13.
Variant type: single nucleotide variant.
Coding change: c.690A>C on transcript NM_019842.4 (MANE Select); coding-DNA position 690, A replaced by C.
Protein change: p.Ala230=; no amino-acid change (alanine 230 retained).
Molecular consequence: synonymous variant.
Genome position (GRCh38, 1-based): chr6:73,077,395, A>C. VCF-style: chr6-73077395-A-C. GRCh37 (hg19) VCF-style: chr6-73787118-A-C.
Other names: c.690A>C, p.Ala230= (NM_001160130.2, NM_001160132.2, NM_001160133.2 and 1 more transcripts).
Identifiers: ClinVar variation 3898728 (VCV003898728.7).